The following is an entry in ClinVar:

NM_002049.4(GATA1):c.550_551delinsAA (p.Ala184Asn)

Gene: GATA1 (GATA binding protein 1; plus strand). Cytogenetic location: Xp11.23.
Variant type: Indel.
Coding change: c.550_551delinsAA on transcript NM_002049.4 (MANE Select); coding-DNA positions 550 to 551, GC replaced by AA.
Protein change: p.Ala184Asn; replaces alanine 184 with asparagine.
Molecular consequence: missense variant.
Genome position (GRCh38, 1-based): chrX:48,792,173-48,792,174, GC replaced by AA. VCF-style: chrX-48792173-GC-AA. GRCh37 (hg19) VCF-style: chrX-48650580-GC-AA.
Other names: p.Ala184Asn; c.550_551delinsAA (NM_002049.3); short protein forms A184N.
Identifiers: ClinVar variation 2937136 (VCV002937136.6), dbSNP rs2519344884, ClinGen allele CA2740092147.

ClinVar aggregate classification (germline): Uncertain significance. Review status: criteria provided, multiple submitters, no conflicts (2 of 4 stars). 4 submissions from 4 submitters: Uncertain significance (4). Last evaluated 2025-12-26.

Conditions:
GATA1-related disorder. Also called: GATA1-related condition.
X-linked dyserythropoetic anemia with abnormal platelets and neutropenia. Also called: ANEMIA, X-LINKED, WITH OR WITHOUT NEUTROPENIA AND/OR PLATELET ABNORMALITIES. Identifiers: Orphanet 363727, MedGen C3550856, MONDO:0010444, OMIM 300835.
Beta-thalassemia-X-linked thrombocytopenia syndrome. Also called: THROMBOCYTOPENIA WITH BETA-THALASSEMIA, X-LINKED. Identifiers: Orphanet 231393, MedGen C1839161, MONDO:0010745, OMIM 314050.
Transient myeloproliferative syndrome. Also called: LEUKEMIA, TRANSIENT; TRANSIENT ABNORMAL MYELOPOIESIS; Transient myeloproliferative syndrome (disease). Identifiers: Orphanet 420611, MedGen C1834582, MONDO:0008040, OMIM 159595, HP:0005534.
Thrombocytopenia, X-linked, with or without dyserythropoietic anemia (XLTDA). Identifiers: Orphanet 67044, MedGen C3550789, MONDO:0010308, OMIM 300367.
Hemolytic anemia due to erythrocyte adenosine deaminase overproduction (CNSHA9). Also called: Adenosine deaminase, elevated, hemolytic anemia due to; ERYTHROCYTE ADA, ELEVATED, HEMOLYTIC ANEMIA DUE TO; ANEMIA, CONGENITAL, NONSPHEROCYTIC HEMOLYTIC, 9. Identifiers: Orphanet 99138, MedGen C1863235, MONDO:0020458, OMIM 301083.
Diamond-Blackfan anemia. Also called: Blackfan Diamond syndrome; Aregenerative anemia chronic congenital; Red cell aplasia, pure hereditary; Congenital hypoplastic anemia; Aase syndrome. Identifiers: Orphanet 124, MedGen C1260899, MeSH D029503, MONDO:0015253, HP:0004810.
GATA binding protein 1 related thrombocytopenia with dyserythropoiesis. Also called: GATA1-Related Cytopenia; GATA1-Related X-Linked Cytopenia. Identifiers: MedGen C1845837, MONDO:0100089.

Submissions (4):

PreventionGenetics, part of Exact Sciences
Classification: Uncertain significance for GATA1-related condition. Last evaluated: 2025-12-26. Review status: criteria provided, single submitter. Criteria: ACMG Guidelines, 2015. Collection method: clinical testing. Allele origin: germline.
Comment: The GATA1 c.550_551delinsAA variant is predicted to result in an in-frame deletion and insertion. To our knowledge, this variant has not been reported in the literature or in a large population database (gnomAD), indicating this variant is rare. At this time, the clinical significance of this variant is uncertain due to the absence of conclusive functional and genetic evidence.

Fulgent Genetics
Classification: Uncertain significance for Transient myeloproliferative syndrome; Thrombocytopenia, X-linked, with or without dyserythropoietic anemia; X-linked dyserythropoetic anemia with abnormal platelets and neutropenia; Hemolytic anemia due to erythrocyte adenosine deaminase overproduction; Beta-thalassemia-X-linked thrombocytopenia syndrome. Last evaluated: 2024-04-16. Review status: criteria provided, single submitter. Criteria: ACMG Guidelines, 2015. Collection method: clinical testing. Allele origin: germline.

Mayo Clinic Laboratories, Mayo Clinic
Classification: Uncertain significance. Last evaluated: 2023-11-17. Review status: criteria provided, single submitter. Criteria: ACMG Guidelines, 2015. Collection method: clinical testing. Allele origin: germline. Observed: 1 variant allele.
Comment: PM2_moderate

Labcorp Genetics (formerly Invitae), Labcorp
Classification: Uncertain significance for GATA binding protein 1 related thrombocytopenia with dyserythropoiesis; Diamond-Blackfan anemia. Last evaluated: 2023-01-10. Review status: criteria provided, single submitter. Criteria: Invitae Variant Classification Sherloc (09022015). Collection method: clinical testing. Allele origin: germline.
Comment: Algorithms developed to predict the effect of missense changes on protein structure and function are either unavailable or do not agree on the potential impact of this missense change (SIFT: "Not Available"; PolyPhen-2: "Benign"; Align-GVGD: "Not Available"). In summary, the available evidence is currently insufficient to determine the role of this variant in disease. Therefore, it has been classified as a Variant of Uncertain Significance. This variant, c.550_551delinsAA, is a complex sequence change that results in the substitution of 1 amino acid(s) in the GATA1 protein (p.Ala184Asn). This variant has not been reported in the literature in individuals affected with GATA1-related conditions. This variant is present in population databases (no rsID available, gnomAD 0.05%).